The following is an entry in ClinVar:

ClinVar aggregate classification (germline): Uncertain significance (1 of 4 stars; one submission).

Conditions:
Familial episodic pain syndrome with predominantly lower limb involvement. Also called: Episodic pain syndrome, familial, 3. Identifiers: Orphanet 391384, Orphanet 391392, MedGen C3809899, MONDO:0014247, OMIM 615552.
Hereditary sensory and autonomic neuropathy type 7. Also called: HSAN VII; Neuropathy, hereditary sensory and autonomic, type VII. Identifiers: Orphanet 391397, MedGen C3809882, MONDO:0014244, OMIM 615548.

Submission:

Labcorp Genetics (formerly Invitae), Labcorp
Classification: Uncertain significance for Familial episodic pain syndrome with predominantly lower limb involvement; Hereditary sensory and autonomic neuropathy type 7. Last evaluated: 2022-05-12. Review status: criteria provided, single submitter. Criteria: Invitae Variant Classification Sherloc (09022015). Collection method: clinical testing. Allele origin: germline.
Comment: This sequence change replaces valine, which is neutral and non-polar, with leucine, which is neutral and non-polar, at codon 1693 of the SCN11A protein (p.Val1693Leu). This variant is not present in population databases (gnomAD no frequency). This variant has not been reported in the literature in individuals affected with SCN11A-related conditions. Algorithms developed to predict the effect of missense changes on protein structure and function (SIFT, PolyPhen-2, Align-GVGD) all suggest that this variant is likely to be disruptive. In summary, the available evidence is currently insufficient to determine the role of this variant in disease. Therefore, it has been classified as a Variant of Uncertain Significance.

NM_001349253.2(SCN11A):c.5077G>T (p.Val1693Leu)

Gene: SCN11A (sodium voltage-gated channel alpha subunit 11; minus strand). Cytogenetic location: 3p22.2.
Variant type: single nucleotide variant.
Coding change: c.5077G>T on transcript NM_001349253.2 (MANE Select); coding-DNA position 5077, G replaced by T.
Protein change: p.Val1693Leu; replaces valine 1693 with leucine.
Molecular consequence: missense variant.
Genome position (GRCh38, 1-based): chr3:38,846,993, C>A on the plus strand (G>T on the coding strand, the complement: SCN11A is on the minus strand). VCF-style: chr3-38846993-C-A. GRCh37 (hg19) VCF-style: chr3-38888484-C-A.
Other names: c.5077G>T, p.Val1693Leu (NM_014139.3); short protein forms V1693L.
Identifiers: ClinVar variation 1393812 (VCV001393812.8), dbSNP rs1559482273, ClinGen allele CA352161354.